The following is an entry in ClinVar:

ClinVar aggregate classification (germline): Uncertain significance (1 of 4 stars; one submission).

Submission:

GeneDx
Classification: Uncertain significance. Last evaluated: 2026-07-16. Review status: criteria provided, single submitter. Criteria: GeneDx Variant Classification Process June 2021. Collection method: clinical testing. Allele origin: germline.
Comment: Not observed at significant frequency in large population cohorts (gnomAD); In silico analysis supports that this missense variant has a deleterious effect on protein structure/function; Has not been previously published as pathogenic or benign to our knowledge

NM_004606.5(TAF1):c.65T>G (p.Leu22Arg)

Genes: TAF1 (TATA-box binding protein associated factor 1; plus strand), LOC130068417 (ATAC-STARR-seq lymphoblastoid active region 29743; plus strand). Cytogenetic location: Xq13.1.
Variant type: single nucleotide variant.
Coding change: c.65T>G on transcript NM_004606.5 (MANE Select); coding-DNA position 65, T replaced by G.
Protein change: p.Leu22Arg; replaces leucine 22 with arginine.
Molecular consequence: missense variant. On other transcripts: non-coding transcript variant (9).
Genome position (GRCh38, 1-based): chrX:71,366,439, T>G. VCF-style: chrX-71366439-T-G. GRCh37 (hg19) VCF-style: chrX-70586289-T-G.
Other names: c.65T>G, p.Leu22Arg (NM_001286074.2, NM_138923.4); short protein forms L22R.
Identifiers: ClinVar variation 3368066 (VCV003368066.2).
Genomic context (GRCh38, chrX:71,366,439, plus strand): 5'-CAGACACGGACAGCGACGAAGATTCCGCTGGAGGCGGCCCATTTTCTTTAGCGGGTTTCC[T>G]TTTCGGCAACATCAATGGAGCCGGGCAGCTGGAGGGGGAAAGCGTCTTGGATGATGTGAG-3'
Protein context (NP_004597.3, residues 12-32): GGGPFSLAGF[Leu22Arg]FGNINGAGQL